The following is an entry in ClinVar:

ClinVar aggregate classification (germline): Uncertain significance (1 of 4 stars; one submission).

Conditions:
TRPV6-related disorder. Also called: TRPV6-related condition.

gnomAD v4.1: 1 of 1,612,018 alleles (0.000062%); highest among the groups gnomAD compares: Non-Finnish European, 0.000085%; no homozygotes.

Submission:

PreventionGenetics, part of Exact Sciences
Classification: Uncertain significance for TRPV6-related condition. Last evaluated: 2025-03-22. Review status: criteria provided, single submitter. Criteria: ACMG Guidelines, 2015. Collection method: clinical testing. Allele origin: germline.
Comment: The TRPV6 c.982G>A variant is predicted to result in the amino acid substitution p.Asp328Asn. To our knowledge, this variant has not been reported in the literature. This variant is reported in 0.00089% of alleles in individuals of European (Non-Finnish) descent in gnomAD. At this time, the clinical significance of this variant is uncertain due to the absence of conclusive functional and genetic evidence.

NM_018646.6(TRPV6):c.982G>A (p.Asp328Asn)

Gene: TRPV6 (transient receptor potential cation channel subfamily V member 6; minus strand). Cytogenetic location: 7q34.
Variant type: single nucleotide variant.
Coding change: c.982G>A on transcript NM_018646.6 (MANE Select); coding-DNA position 982, G replaced by A.
Protein change: p.Asp328Asn; replaces aspartic acid 328 with asparagine.
Molecular consequence: missense variant.
Genome position (GRCh38, 1-based): chr7:142,875,805, C>T on the plus strand (G>A on the coding strand, the complement: TRPV6 is on the minus strand). VCF-style: chr7-142875805-C-T. GRCh37 (hg19) VCF-style: chr7-142573558-C-T.
Other names: short protein forms D328N.
Identifiers: ClinVar variation 4977542 (VCV004977542.1).